The following is an entry in ClinVar:

NM_000530.8(MPZ):c.323A>G (p.Lys108Arg)

Gene: MPZ (myelin protein zero; minus strand). Cytogenetic location: 1q23.3.
Variant type: single nucleotide variant.
Coding change: c.323A>G on transcript NM_000530.8 (MANE Select); coding-DNA position 323, A replaced by G.
Protein change: p.Lys108Arg; replaces lysine 108 with arginine.
Molecular consequence: missense variant.
Genome position (GRCh38, 1-based): chr1:161,306,833, T>C on the plus strand (A>G on the coding strand, the complement: MPZ is on the minus strand). VCF-style: chr1-161306833-T-C. GRCh37 (hg19) VCF-style: chr1-161276623-T-C.
Other names: c.323A>G, p.Lys108Arg (NM_001315491.2); short protein forms K108R.
Identifiers: ClinVar variation 2804143 (VCV002804143.3), dbSNP rs2102259040, ClinGen allele CA343349356.

ClinVar aggregate classification (germline): Uncertain significance (1 of 4 stars; one submission).

Conditions:
Charcot-Marie-Tooth disease, type I (CMT1). Also called: Charcot-Marie-Tooth disease type 1; Charcot-Marie-Tooth, Type 1. Identifiers: Orphanet 65753, MedGen C0751036, MONDO:0019011.

Submission:

Labcorp Genetics (formerly Invitae), Labcorp
Classification: Uncertain significance for Charcot-Marie-Tooth disease, type I. Last evaluated: 2023-01-21. Review status: criteria provided, single submitter. Criteria: Invitae Variant Classification Sherloc (09022015). Collection method: clinical testing. Allele origin: germline.
Comment: In summary, the available evidence is currently insufficient to determine the role of this variant in disease. Therefore, it has been classified as a Variant of Uncertain Significance. Advanced modeling of protein sequence and biophysical properties (such as structural, functional, and spatial information, amino acid conservation, physicochemical variation, residue mobility, and thermodynamic stability) performed at Invitae indicates that this missense variant is not expected to disrupt MPZ protein function. This variant has not been reported in the literature in individuals affected with MPZ-related conditions. This variant is not present in population databases (gnomAD no frequency). This sequence change replaces lysine, which is basic and polar, with arginine, which is basic and polar, at codon 108 of the MPZ protein (p.Lys108Arg).